The following is an entry in ClinVar:

ClinVar aggregate classification (germline): Uncertain significance (1 of 4 stars; one submission).

Conditions:
Inborn genetic diseases. Identifiers: MedGen C0950123, MeSH D030342.

Submission:

Ambry Genetics
Classification: Uncertain significance for Inborn genetic diseases. Last evaluated: 2025-03-04. Review status: criteria provided, single submitter. Criteria: Ambry Variant Classification Scheme 2023. Collection method: clinical testing. Allele origin: germline.
Comment: The p.I1389V variant (also known as c.4165A>G), located in coding exon 1 of the SAMD9L gene, results from an A to G substitution at nucleotide position 4165. The isoleucine at codon 1389 is replaced by valine, an amino acid with highly similar properties. This amino acid position is conserved. In addition, this alteration is predicted to be tolerated by in silico analysis. Based on the available evidence, the clinical significance of this variant remains unclear.

NM_152703.5(SAMD9L):c.4165A>G (p.Ile1389Val)

Gene: SAMD9L (sterile alpha motif domain containing 9 like; minus strand). Cytogenetic location: 7q21.2.
Variant type: single nucleotide variant.
Coding change: c.4165A>G on transcript NM_152703.5 (MANE Select); coding-DNA position 4165, A replaced by G.
Protein change: p.Ile1389Val; replaces isoleucine 1389 with valine.
Molecular consequence: missense variant.
Genome position (GRCh38, 1-based): chr7:93,131,807, T>C on the plus strand (A>G on the coding strand, the complement: SAMD9L is on the minus strand). VCF-style: chr7-93131807-T-C. GRCh37 (hg19) VCF-style: chr7-92761120-T-C.
Other names: c.4165A>G, p.Ile1389Val (NM_001303496.3, NM_001303497.3, NM_001303498.3 and 5 more transcripts); short protein forms I1389V.
Identifiers: ClinVar variation 3792487 (VCV003792487.1).
Genomic context (GRCh38, chr7:93,131,807, plus strand): 5'-GTTTTTTTAGCGTGGTAAGTGGTTGAATTAACTTGGAGTTGGGCTTTAGACAACTCAGAA[T>C]AATGTTGGCCAAAATGGAATTTTGTTTCTCATTTGTCATGGGCTTTTTTGAGTTTTGCTG-3'
Protein context (NP_689916.2, residues 1379-1399): EKQNSILANI[Ile1389Val]LSCLKPNSKL